The following is an entry in ClinVar:

NM_130839.5(UBE3A):c.1435T>A (p.Phe479Ile)

Genes: SNHG14 (small nucleolar RNA host gene 14; plus strand), UBE3A (ubiquitin protein ligase E3A; minus strand). Cytogenetic location: 15q11.2.
Variant type: single nucleotide variant.
Coding change: c.1435T>A on transcript NM_130839.5 (MANE Select); coding-DNA position 1435, T replaced by A.
Protein change: p.Phe479Ile; replaces phenylalanine 479 with isoleucine.
Molecular consequence: missense variant. On other transcripts: non-coding transcript variant (1), intron variant (2).
Genome position (GRCh38, 1-based): chr15:25,370,739, A>T on the plus strand (T>A on the coding strand, the complement: UBE3A is on the minus strand). VCF-style: chr15-25370739-A-T. GRCh37 (hg19) VCF-style: chr15-25615886-A-T.
Other names: c.1375T>A, p.Phe459Ile (NM_001354540.2, NM_001354541.2, NM_001354542.2 and 17 more transcripts); c.1435T>A, p.Phe479Ile (NM_001354545.2, NM_001354505.1, NM_001354538.2); c.1258T>A, p.Phe420Ile (NM_001354546.2); c.1444T>A, p.Phe482Ile (NM_000462.5); c.301+4726T>A (NM_001354551.2); c.361+4726T>A (NM_001354550.2); short protein forms F420I, F459I, F479I, F482I.
Identifiers: ClinVar variation 1716799 (VCV001716799.5), dbSNP rs2552191492, ClinGen allele CA391353602.
Genomic context (GRCh38, chr15:25,370,739, plus strand): 5'-ACATGCGAATTCTATTGTCATAATATAATCCCAAATTCTTTGTGACAGCATTCAATATAA[A>T]GGGACATGTCATAAAAGAGAATTTGTTCTCTGTTTCTACTTTGAAAAAAGTATAATCTTT-3'
Protein context (NP_570854.1, residues 469-489): ENKFSFMTCP[Phe479Ile]ILNAVTKNLG

ClinVar aggregate classification (germline): Uncertain significance (1 of 4 stars; one submission).

Conditions:
Angelman syndrome (AS). Also called: HAPPY PUPPET SYNDROME. Identifiers: Orphanet 72, MedGen C0162635, MONDO:0007113, OMIM 105830. Disease mechanism: loss of function. Inheritance: AS is caused by disruption of maternally imprinted UBE3A located within the 15q11.2-q13 Angelman syndrome/Prader-Willi syndrome (AS/PWS) region., imprinting disorder.

Submission:

Labcorp Genetics (formerly Invitae), Labcorp
Classification: Uncertain significance for Angelman syndrome. Last evaluated: 2022-08-19. Review status: criteria provided, single submitter. Criteria: Invitae Variant Classification Sherloc (09022015). Collection method: clinical testing. Allele origin: germline.
Comment: This sequence change replaces phenylalanine, which is neutral and non-polar, with isoleucine, which is neutral and non-polar, at codon 459 of the UBE3A protein (p.Phe459Ile). This variant is not present in population databases (gnomAD no frequency). This variant has not been reported in the literature in individuals affected with UBE3A-related conditions. Algorithms developed to predict the effect of missense changes on protein structure and function are either unavailable or do not agree on the potential impact of this missense change (SIFT: "Not Available"; PolyPhen-2: "Probably Damaging"; Align-GVGD: "Not Available"). In summary, the available evidence is currently insufficient to determine the role of this variant in disease. Therefore, it has been classified as a Variant of Uncertain Significance.